The following is an entry in ClinVar:

NC_012920.1(MT-ND1):m.4218T>C

Gene: MT-ND1 (mitochondrially encoded NADH dehydrogenase 1; plus strand).
Variant type: single nucleotide variant.
Genome position: chrM-4218-T-C.
Identifiers: ClinVar variation 235539 (VCV000235539.4), dbSNP rs878853061, ClinGen allele CA10581348.
Genomic context (GRCh38, chrMT:4,218, plus strand): 5'-ACTCATACACCTCCTATGAAAAAACTTCCTACCACTCACCCTAGCATTACTTATATGATA[T>C]GTCTCCATACCCATTACAATCTCCAGCATTCCCCCTCAAACCTAAGAAATATGTCTGATA-3'

ClinVar aggregate classification (germline): Likely benign. Review status: criteria provided, multiple submitters, no conflicts (2 of 4 stars). 2 submissions from 2 submitters: Likely benign (2). Last evaluated 2016-03-18.

Submissions (2):

Center for Pediatric Genomic Medicine, Children's Mercy Hospital and Clinics
Classification: Likely benign. Last evaluated: 2016-03-18. Review status: criteria provided, single submitter. Criteria: ACMG Guidelines, 2015. Collection method: clinical testing. Allele origin: germline.
ClinVar note: Converted during submission from Likely Benign to Likely benign.

Breakthrough Genomics
Classification: Likely benign. Review status: criteria provided, single submitter. Criteria: ACMG Guidelines, 2015. Collection method: not provided. Allele origin: germline. Inheritance: Unknown mechanism. Affected: yes.